The following is an entry in ClinVar:

NM_020937.4(FANCM):c.3202G>T (p.Asp1068Tyr)

Gene: FANCM (FA complementation group M; plus strand). Cytogenetic location: 14q21.2.
Variant type: single nucleotide variant.
Coding change: c.3202G>T on transcript NM_020937.4 (MANE Select); coding-DNA position 3202, G replaced by T.
Protein change: p.Asp1068Tyr; replaces aspartic acid 1068 with tyrosine.
Molecular consequence: missense variant.
Genome position (GRCh38, 1-based): chr14:45,175,956, G>T. VCF-style: chr14-45175956-G-T. GRCh37 (hg19) VCF-style: chr14-45645159-G-T.
Other names: c.3124G>T, p.Asp1042Tyr (NM_001308133.2); short protein forms D1042Y, D1068Y.
Identifiers: ClinVar variation 3610894 (VCV003610894.2).

ClinVar aggregate classification (germline): Uncertain significance (1 of 4 stars; one submission).

Conditions:
Fanconi anemia (FA). Also called: Fanconi's anemia. Identifiers: Orphanet 84, MedGen C0015625, MeSH D005199, MONDO:0019391.

gnomAD v4.1: 1 of 1,613,484 alleles (0.000062%); highest among the groups gnomAD compares: Non-Finnish European, 0.000085%; no homozygotes.

Submission:

Labcorp Genetics (formerly Invitae), Labcorp
Classification: Uncertain significance for Fanconi anemia. Last evaluated: 2024-09-15. Review status: criteria provided, single submitter. Criteria: Invitae Variant Classification Sherloc (09022015). Collection method: clinical testing. Allele origin: germline.
Comment: This sequence change replaces aspartic acid, which is acidic and polar, with tyrosine, which is neutral and polar, at codon 1068 of the FANCM protein (p.Asp1068Tyr). This variant is not present in population databases (gnomAD no frequency). This variant has not been reported in the literature in individuals affected with FANCM-related conditions. An algorithm developed to predict the effect of missense changes on protein structure and function (PolyPhen-2) suggests that this variant is likely to be disruptive. In summary, the available evidence is currently insufficient to determine the role of this variant in disease. Therefore, it has been classified as a Variant of Uncertain Significance.